The following is an entry in ClinVar:

NM_013266.4(CTNNA3):c.917C>T (p.Ala306Val)

Gene: CTNNA3 (catenin alpha 3; minus strand). Cytogenetic location: 10q21.3.
Variant type: single nucleotide variant.
Coding change: c.917C>T on transcript NM_013266.4 (MANE Select); coding-DNA position 917, C replaced by T.
Protein change: p.Ala306Val; replaces alanine 306 with valine.
Molecular consequence: missense variant.
Genome position (GRCh38, 1-based): chr10:67,180,447, G>A on the plus strand (C>T on the coding strand, the complement: CTNNA3 is on the minus strand). VCF-style: chr10-67180447-G-A. GRCh37 (hg19) VCF-style: chr10-68940205-G-A.
Other names: c.917C>T, p.Ala306Val (NM_001127384.3); c.953C>T, p.Ala318Val (NM_001291133.2); short protein forms A306V, A318V.
Identifiers: ClinVar variation 3608785 (VCV003608785.2).

ClinVar aggregate classification (germline): Uncertain significance (1 of 4 stars; one submission).

Conditions:
Arrhythmogenic right ventricular dysplasia 13. Also called: Arrhythmogenic right ventricular dysplasia, familial, 13; ARRHYTHMOGENIC RIGHT VENTRICULAR CARDIOMYOPATHY 13. Identifiers: MedGen C3810138, MONDO:0000908, OMIM 615616.

gnomAD v4.1: 11 of 1,613,720 alleles (0.00068%); highest among the groups gnomAD compares: Middle Eastern, 0.049%; no homozygotes.

Submission:

Labcorp Genetics (formerly Invitae), Labcorp
Classification: Uncertain significance for Arrhythmogenic right ventricular dysplasia 13. Last evaluated: 2025-08-05. Review status: criteria provided, single submitter. Criteria: Invitae Variant Classification Sherloc (09022015). Collection method: clinical testing. Allele origin: germline.
Comment: This sequence change replaces alanine, which is neutral and non-polar, with valine, which is neutral and non-polar, at codon 306 of the CTNNA3 protein (p.Ala306Val). This variant is present in population databases (rs754642444, gnomAD 0.002%). This variant has not been reported in the literature in individuals affected with CTNNA3-related conditions. ClinVar contains an entry for this variant (Variation ID: 3608785). Invitae Evidence Modeling of protein sequence and biophysical properties (such as structural, functional, and spatial information, amino acid conservation, physicochemical variation, residue mobility, and thermodynamic stability) indicates that this missense variant is not expected to disrupt CTNNA3 protein function with a negative predictive value of 80%. In summary, the available evidence is currently insufficient to determine the role of this variant in disease. Therefore, it has been classified as a Variant of Uncertain Significance.